The following is an entry in ClinVar:

ClinVar aggregate classification (germline): Uncertain significance (1 of 4 stars; one submission).

Conditions:
Autosomal recessive severe congenital neutropenia due to CSF3R deficiency. Also called: Neutropenia, severe congenital, 7, autosomal recessive. Identifiers: Orphanet 420702, MedGen C4310764, MONDO:0014865, OMIM 617014.

Allele frequency attached by ClinVar (database versions not stated): gnomAD 0.00001; gnomAD exomes 0.00001 and 0.00006; ExAC 0.00002; TOPMed 0.00003.
gnomAD v4.1: 85 of 1,614,036 alleles (0.0053%); highest among the groups gnomAD compares: South Asian, 0.0077%; no homozygotes.

Submission:

Labcorp Genetics (formerly Invitae), Labcorp
Classification: Uncertain significance for Autosomal recessive severe congenital neutropenia due to CSF3R deficiency. Last evaluated: 2025-07-02. Review status: criteria provided, single submitter. Criteria: Invitae Variant Classification Sherloc (09022015). Collection method: clinical testing. Allele origin: germline.
Comment: This sequence change replaces glycine, which is neutral and non-polar, with serine, which is neutral and polar, at codon 687 of the CSF3R protein (p.Gly687Ser). This variant is present in population databases (rs201699446, gnomAD 0.003%). This variant has not been reported in the literature in individuals affected with CSF3R-related conditions. ClinVar contains an entry for this variant (Variation ID: 851011). Invitae Evidence Modeling of protein sequence and biophysical properties (such as structural, functional, and spatial information, amino acid conservation, physicochemical variation, residue mobility, and thermodynamic stability) indicates that this missense variant is not expected to disrupt CSF3R protein function with a negative predictive value of 80%. In summary, the available evidence is currently insufficient to determine the role of this variant in disease. Therefore, it has been classified as a Variant of Uncertain Significance.

NM_000760.4(CSF3R):c.2059G>A (p.Gly687Ser)

Gene: CSF3R (colony stimulating factor 3 receptor; minus strand). Cytogenetic location: 1p34.3.
Variant type: single nucleotide variant.
Coding change: c.2059G>A on transcript NM_000760.4 (MANE Select); coding-DNA position 2059, G replaced by A.
Protein change: p.Gly687Ser; replaces glycine 687 with serine.
Molecular consequence: missense variant.
Genome position (GRCh38, 1-based): chr1:36,466,809, C>T on the plus strand (G>A on the coding strand, the complement: CSF3R is on the minus strand). VCF-style: chr1-36466809-C-T. GRCh37 (hg19) VCF-style: chr1-36932410-C-T.
Other names: c.2140G>A, p.Gly714Ser (NM_156039.3); c.2059G>A, p.Gly687Ser (NM_172313.3); short protein forms G714S, G687S.
Identifiers: ClinVar variation 851011 (VCV000851011.5), dbSNP rs201699446, ClinGen allele CA768958.